The following is an entry in ClinVar:

ClinVar aggregate classification (germline): Uncertain significance (1 of 4 stars; one submission).

Allele frequency attached by ClinVar (database versions not stated): gnomAD exomes 0.00001.
gnomAD v4.1: 12 of 1,511,324 alleles (0.00079%); highest among the groups gnomAD compares: South Asian, 0.0036%; no homozygotes.

Submission:

Labcorp Genetics (formerly Invitae), Labcorp
Classification: Uncertain significance. Last evaluated: 2023-08-17. Review status: criteria provided, single submitter. Criteria: Invitae Variant Classification Sherloc (09022015). Collection method: clinical testing. Allele origin: germline.
Comment: The frequency data for this variant in the population databases is considered unreliable, as metrics indicate poor data quality at this position in the gnomAD database. This sequence change replaces proline, which is neutral and non-polar, with leucine, which is neutral and non-polar, at codon 1449 of the DCHS1 protein (p.Pro1449Leu). This variant has not been reported in the literature in individuals affected with DCHS1-related conditions. Advanced modeling of protein sequence and biophysical properties (such as structural, functional, and spatial information, amino acid conservation, physicochemical variation, residue mobility, and thermodynamic stability) performed at Invitae indicates that this missense variant is not expected to disrupt DCHS1 protein function. In summary, the available evidence is currently insufficient to determine the role of this variant in disease. Therefore, it has been classified as a Variant of Uncertain Significance.

NM_003737.4(DCHS1):c.4346C>T (p.Pro1449Leu)

Gene: DCHS1 (dachsous cadherin-related 1; minus strand). Cytogenetic location: 11p15.4.
Variant type: single nucleotide variant.
Coding change: c.4346C>T on transcript NM_003737.4 (MANE Select); coding-DNA position 4346, C replaced by T.
Protein change: p.Pro1449Leu; replaces proline 1449 with leucine.
Molecular consequence: missense variant.
Genome position (GRCh38, 1-based): chr11:6,630,448, G>A on the plus strand (C>T on the coding strand, the complement: DCHS1 is on the minus strand). VCF-style: chr11-6630448-G-A. GRCh37 (hg19) VCF-style: chr11-6651679-G-A.
Other names: short protein forms P1449L.
Identifiers: ClinVar variation 2801584 (VCV002801584.3), dbSNP rs765969926, ClinGen allele CA5860348.